The following is an entry in ClinVar:

ClinVar aggregate classification (germline): Benign. Review status: criteria provided, multiple submitters, no conflicts (2 of 4 stars). 2 submissions from 2 submitters: Benign (2). Last evaluated 2018-01-12.

Conditions:
MHC class II deficiency. Also called: Bare lymphocyte syndrome 2; BLS, TYPE II. Identifiers: Orphanet 572, MedGen C5447452, MONDO:0008855.

Allele frequency attached by ClinVar (database versions not stated): gnomAD 0.71738 and 0.71323; gnomAD exomes 0.80556; 1000 Genomes Project 0.69169; 1000 Genomes Project 30x 0.68176; TOPMed 0.70236.

Submissions (2):

Illumina Laboratory Services, Illumina
Classification: Benign for MHC class II deficiency 1. Last evaluated: 2018-01-12. Review status: criteria provided, single submitter. Criteria: ICSL Variant Classification Criteria 13 December 2019. Collection method: clinical testing. Allele origin: germline.
Comment: This variant was observed in the ICSL laboratory as part of a predisposition screen in an ostensibly healthy population. It had not been previously curated by ICSL or reported in the Human Gene Mutation Database (HGMD: prior to June 1st, 2018), and was therefore a candidate for classification through an automated scoring system. Utilizing variant allele frequency, disease prevalence and penetrance estimates, and inheritance mode, an automated score was calculated to assess if this variant is too frequent to cause the disease. Based on the score and internal cut-off values, a variant classified as benign is not then subjected to further curation. The score for this variant resulted in a classification of benign for this disease.

Breakthrough Genomics
Classification: Benign. Review status: criteria provided, single submitter. Criteria: ACMG Guidelines, 2015. Collection method: not provided. Allele origin: germline. Inheritance: Autosomal recessive inheritance. Affected: yes.

NM_000246.4(CIITA):c.*910T>C

Gene: CIITA (class II major histocompatibility complex transactivator; plus strand). Cytogenetic location: 16p13.13.
Variant type: single nucleotide variant.
Coding change: c.*910T>C on transcript NM_000246.4 (MANE Select); 910 bases downstream of the stop codon, T replaced by C.
Molecular consequence: 3 prime UTR variant. On other transcripts: non-coding transcript variant (1), intron variant (5).
Genome position (GRCh38, 1-based): chr16:10,924,765, T>C. VCF-style: chr16-10924765-T-C. GRCh37 (hg19) VCF-style: chr16-11018622-T-C.
Other names: c.*910T>C (NM_001286402.1, NM_001286403.2); c.*22+1440T>C (NM_001379332.1, NM_001379330.1, NM_001379333.1 and 2 more transcripts).
Identifiers: ClinVar variation 317747 (VCV000317747.6), dbSNP rs1139564, ClinGen allele CA10647721.